The following is an entry in ClinVar:

ClinVar aggregate classification (germline): Uncertain significance. Review status: criteria provided, multiple submitters, no conflicts (2 of 4 stars). 3 submissions from 3 submitters: Uncertain significance (3). Last evaluated 2025-10-29.

Conditions:
Tuberous sclerosis 2 (TSC2). Identifiers: Orphanet 805, MedGen C1860707, MONDO:0013199, OMIM 613254.
Hereditary cancer-predisposing syndrome. Also called: Tumor predisposition; Hereditary Cancer Syndrome; Hereditary neoplastic syndrome; Neoplastic Syndromes, Hereditary. Identifiers: Orphanet 140162, MedGen C0027672, MeSH D009386, MONDO:0015356.

Allele frequency attached by ClinVar (database versions not stated): gnomAD exomes below 0.00001.
gnomAD v4.1: 2 of 1,612,210 alleles (0.00012%); highest among the groups gnomAD compares: Non-Finnish European, 0.00017%; no homozygotes.

Submissions (3):

Labcorp Genetics (formerly Invitae), Labcorp
Classification: Uncertain significance for Tuberous sclerosis 2. Last evaluated: 2025-10-29. Review status: criteria provided, single submitter. Criteria: Invitae Variant Classification Sherloc (09022015). Collection method: clinical testing. Allele origin: germline.
Comment: This sequence change replaces histidine, which is basic and polar, with proline, which is neutral and non-polar, at codon 1288 of the TSC2 protein (p.His1288Pro). This variant is not present in population databases (gnomAD no frequency). This variant has not been reported in the literature in individuals affected with TSC2-related conditions. ClinVar contains an entry for this variant (Variation ID: 581187). Invitae Evidence Modeling of protein sequence and biophysical properties (such as structural, functional, and spatial information, amino acid conservation, physicochemical variation, residue mobility, and thermodynamic stability) indicates that this missense variant is not expected to disrupt TSC2 protein function with a negative predictive value of 95%. In summary, the available evidence is currently insufficient to determine the role of this variant in disease. Therefore, it has been classified as a Variant of Uncertain Significance.

CeGaT Center for Human Genetics Tuebingen
Classification: Uncertain significance. Last evaluated: 2022-12-01. Review status: criteria provided, single submitter. Criteria: CeGaT Center For Human Genetics Tuebingen Variant Classification Criteria Version 2. Collection method: clinical testing. Allele origin: germline. Affected: yes. Observed: 1 variant allele.
Comment: TSC2: PM2

Ambry Genetics
Classification: Uncertain significance for Hereditary cancer-predisposing syndrome. Last evaluated: 2021-06-17. Review status: criteria provided, single submitter. Criteria: Ambry Variant Classification Scheme 2023. Collection method: clinical testing. Allele origin: germline.
Comment: The p.H1288P variant (also known as c.3863A>C), located in coding exon 31 of the TSC2 gene, results from an A to C substitution at nucleotide position 3863. The histidine at codon 1288 is replaced by proline, an amino acid with similar properties. This amino acid position is well conserved in available vertebrate species. In addition, the in silico prediction for this alteration is inconclusive. Since supporting evidence is limited at this time, the clinical significance of this alteration remains unclear.

NM_000548.5(TSC2):c.3863A>C (p.His1288Pro)

Gene: TSC2 (TSC complex subunit 2; plus strand). Cytogenetic location: 16p13.3.
Variant type: single nucleotide variant.
Coding change: c.3863A>C on transcript NM_000548.5 (MANE Select); coding-DNA position 3863, A replaced by C.
Protein change: p.His1288Pro; replaces histidine 1288 with proline.
Molecular consequence: missense variant. On other transcripts: intron variant (6).
Genome position (GRCh38, 1-based): chr16:2,082,484, A>C. VCF-style: chr16-2082484-A-C. GRCh37 (hg19) VCF-style: chr16-2132485-A-C.
Other names: c.3131A>C, p.His1044Pro (NM_001318831.2); c.3731A>C, p.His1244Pro (NM_001370404.1); c.3734A>C, p.His1245Pro (NM_001370405.1, NM_021055.3); c.3814+686A>C (NM_001114382.3); c.3685+686A>C (NM_001363528.2); c.3682+686A>C (NM_001077183.3); c.3574+686A>C (NM_001318827.2); c.3538+686A>C (NM_001318829.2); and 1 more; short protein forms H1288P, H1044P, H1244P, H1245P.
Identifiers: ClinVar variation 581187 (VCV000581187.35), dbSNP rs1567514069, ClinGen allele CA394295090.